The following is an entry in ClinVar:

ClinVar aggregate classification (germline): Uncertain significance (1 of 4 stars; one submission).

gnomAD v4.1: 243 of 1,609,168 alleles (0.015%); highest among the groups gnomAD compares: Non-Finnish European, 0.02%; 1 homozygote.

Submission:

Labcorp Genetics (formerly Invitae), Labcorp
Classification: Uncertain significance. Last evaluated: 2024-02-29. Review status: criteria provided, single submitter. Criteria: Invitae Variant Classification Sherloc (09022015). Collection method: clinical testing. Allele origin: germline.
Comment: This sequence change affects an acceptor splice site in intron 14 of the LMBR1 gene. It is expected to disrupt RNA splicing. Variants that disrupt the donor or acceptor splice site typically lead to a loss of protein function (PMID: 16199547), however the current clinical and genetic evidence is not sufficient to establish whether loss-of-function variants in LMBR1 cause disease. This variant is present in population databases (rs148655712, gnomAD 0.04%). This variant has not been reported in the literature in individuals affected with LMBR1-related conditions. Algorithms developed to predict the effect of sequence changes on RNA splicing suggest that this variant may disrupt the consensus splice site. In summary, the available evidence is currently insufficient to determine the role of this variant in disease. Therefore, it has been classified as a Variant of Uncertain Significance.

Literature cited by the submitters: PubMed 16199547.

NM_022458.4(LMBR1):c.1159-2A>G

Gene: LMBR1 (limb development membrane protein 1; minus strand). Cytogenetic location: 7q36.3.
Variant type: single nucleotide variant.
Coding change: c.1159-2A>G on transcript NM_022458.4 (MANE Select); the canonical splice acceptor site of the intron before coding-DNA position 1159, A replaced by G.
Molecular consequence: splice acceptor variant.
Genome position (GRCh38, 1-based): chr7:156,724,180, T>C on the plus strand (A>G on the coding strand, the complement: LMBR1 is on the minus strand). VCF-style: chr7-156724180-T-C. GRCh37 (hg19) VCF-style: chr7-156516874-T-C.
Other names: c.1096-2A>G (NM_001363412.2); c.880-2A>G (NM_001350954.2); c.1159-2A>G (NM_001363410.2); c.1282-2A>G (NM_001363409.2, NM_001350953.2); c.703-2A>G (NM_001350958.2, NM_001350956.2, NM_001350955.2 and 1 more transcripts); c.790-2A>G (NM_001350957.2, NM_001363411.2).
Identifiers: ClinVar variation 3707676 (VCV003707676.2).
Genomic context (GRCh38, chr7:156,724,180, plus strand): 5'-CTCGACATCACAGGCAGAGCAGAGCTCAAAACCAAGATGGACACACAATTTCCAATGATC[T>C]GTTATGAGAAACGAGAAAGAATATTGGGCAGTTAAACAGCAGGATGACAATCAAACCCAG-3'